The following is an entry in ClinVar:

NM_001378452.1(ITPR1):c.6146C>G (p.Thr2049Ser)

Gene: ITPR1 (inositol 1,4,5-trisphosphate receptor type 1; plus strand). Cytogenetic location: 3p26.1.
Variant type: single nucleotide variant.
Coding change: c.6146C>G on transcript NM_001378452.1 (MANE Select); coding-DNA position 6146, C replaced by G.
Protein change: p.Thr2049Ser; replaces threonine 2049 with serine.
Molecular consequence: missense variant.
Genome position (GRCh38, 1-based): chr3:4,775,408, C>G. VCF-style: chr3-4775408-C-G. GRCh37 (hg19) VCF-style: chr3-4817092-C-G.
Other names: c.6002C>G, p.Thr2001Ser (NM_001099952.4); c.6101C>G, p.Thr2034Ser (NM_001168272.2); c.5957C>G, p.Thr1986Ser (NM_002222.7); short protein forms T1986S, T2001S, T2034S, T2049S.
Identifiers: ClinVar variation 4682344 (VCV004682344.1).

ClinVar aggregate classification (germline): Uncertain significance (1 of 4 stars; one submission).

Submission:

Athena Diagnostics
Classification: Uncertain significance. Last evaluated: 2025-03-03. Review status: criteria provided, single submitter. Criteria: Athena Diagnostics Criteria. Collection method: clinical testing. Allele origin: unknown.
Comment: Available data are insufficient to determine the clinical significance of the variant at this time. This variant has not been reported in large, multi-ethnic general populations. Polyphen and MutationTaster yielded discordant predictions regarding whether this amino acid change is damaging to the protein.